The following is an entry in ClinVar:

ClinVar aggregate classification (germline): Uncertain significance. Review status: criteria provided, multiple submitters, no conflicts (2 of 4 stars). 2 submissions from 2 submitters: Uncertain significance (2). Last evaluated 2025-04-10.

Conditions:
Inborn genetic diseases. Identifiers: MedGen C0950123, MeSH D030342.
Tay-Sachs disease (TSD). Also called: HEXA DEFICIENCY; GM2 gangliosidosis, type 1; Hexosaminidase alpha-subunit deficiency (variant B); Sphingolipidosis, Tay-Sachs; HEXA Disorders; Hexosaminidase A Deficiency. Identifiers: Orphanet 845, MedGen C0039373, MONDO:0010100, OMIM 272800.

Submissions (2):

Ambry Genetics
Classification: Uncertain significance for Inborn genetic diseases. Last evaluated: 2025-04-10. Review status: criteria provided, single submitter. Criteria: Ambry Variant Classification Scheme 2023. Collection method: clinical testing. Allele origin: germline.

Labcorp Genetics (formerly Invitae), Labcorp
Classification: Uncertain significance for Tay-Sachs disease. Last evaluated: 2021-06-25. Review status: criteria provided, single submitter. Criteria: Invitae Variant Classification Sherloc (09022015). Collection method: clinical testing. Allele origin: germline.
Comment: In summary, the available evidence is currently insufficient to determine the role of this variant in disease. Therefore, it has been classified as a Variant of Uncertain Significance. Algorithms developed to predict the effect of missense changes on protein structure and function output the following: SIFT: "Tolerated"; PolyPhen-2: "Benign"; Align-GVGD: "Class C0". The glycine amino acid residue is found in multiple mammalian species, suggesting that this missense change does not adversely affect protein function. These predictions have not been confirmed by published functional studies and their clinical significance is uncertain. This variant has not been reported in the literature in individuals with HEXA-related conditions. This variant is not present in population databases (ExAC no frequency). This sequence change replaces glutamic acid with glycine at codon 111 of the HEXA protein (p.Glu111Gly). The glutamic acid residue is weakly conserved and there is a moderate physicochemical difference between glutamic acid and glycine.

NM_000520.6(HEXA):c.332A>G (p.Glu111Gly)

Gene: HEXA (hexosaminidase subunit alpha; minus strand). Cytogenetic location: 15q23.
Variant type: single nucleotide variant.
Coding change: c.332A>G on transcript NM_000520.6 (MANE Select); coding-DNA position 332, A replaced by G.
Protein change: p.Glu111Gly; replaces glutamic acid 111 with glycine.
Molecular consequence: missense variant. On other transcripts: non-coding transcript variant (1).
Genome position (GRCh38, 1-based): chr15:72,356,539, T>C on the plus strand (A>G on the coding strand, the complement: HEXA is on the minus strand). VCF-style: chr15-72356539-T-C. GRCh37 (hg19) VCF-style: chr15-72648880-T-C.
Other names: c.332A>G (NM_000520.4); c.365A>G, p.Glu122Gly (NM_001318825.2); short protein forms E111G, E122G.
Identifiers: ClinVar variation 1435040 (VCV001435040.7), dbSNP rs2140328958, ClinGen allele CA393067179.